The following continues an entry in ClinVar:

NM_032043.3(BRIP1):c.2947del (p.Ile983fs)

Gene: BRIP1. ClinVar aggregate classification (germline): Conflicting classifications of pathogenicity. Pathogenic (5); Likely pathogenic (4); Uncertain significance (2).

Submissions 11 to 14 of 14:

GeneKor MSA
Classification: Likely pathogenic for Hereditary cancer-predisposing syndrome. Last evaluated: 2020-01-01. Review status: criteria provided, single submitter. Criteria: ACMG Guidelines, 2015. Collection method: clinical testing. Allele origin: germline. Affected: yes.
Comment: This variant is a single base pair deletion from exon 20 of the BRIP1 mRNA, causing a frameshift after codon 983 and this creates a premature translational stop signal 2 amino acid residues later. This variant is expected to disrupt BRIP1-BRCA1 interaction because affects the BRCA1-binding domain (residues 888-1063) of the BRIP1 protein (PMID: 21345144). Truncating variants in BRIP1 are known to be pathogenic (PMID: 16116423, 17033622, 21964575). This variant has been described in the international literature in individuals undergoing panel testing for hereditary syndrome (PMID: 31159747). The mutation database ClinVar contains entries for this variant (Variation ID: 461044).

Medical Genetics Laboratory, Umraniye Training and Research Hospital, University of Health Sciences
Classification: Likely pathogenic for Breast carcinoma. Last evaluated: 2021-08-12. Review status: no assertion criteria provided. Collection method: clinical testing. Allele origin: germline. Inheritance: Autosomal dominant inheritance. Affected: yes. Not counted in ClinVar's aggregate classification.
Comment: Diagnosis: Breast Cancer Pathology: Invasive Ductal Ca IHC: ER:+, PR:+, HER2:-, Ecadherin:+ Ki67:%20

Leiden Open Variation Database
Classification: Pathogenic. Last evaluated: 2019-12-23. Review status: no assertion criteria provided. Collection method: curation. Allele origin: germline. Affected: yes. Not counted in ClinVar's aggregate classification.
Comment: Curator: Arleen D. Auerbach. Submitter to LOVD: Florentia Fostira.

Department of Pathology and Laboratory Medicine, Sinai Health System
Classification: Pathogenic for Malignant tumor of breast. Review status: no assertion criteria provided. Collection method: clinical testing. Allele origin: unknown. Affected: yes. Observed: 1 variant allele. Study: The Canadian Open Genetics Repository (COGR). Not counted in ClinVar's aggregate classification.
Comment: The BRIP1 c.2947del variant was not identified in the literature nor was it identified in the dbSNP. The variant was identified ClinVar (classified pathogenic by Invitae and /likely pathogenic by GeneKor MSA). The variant was identified in control databases in 1 of 250646 chromosomes at a frequency of 0.000004 (Genome Aggregation Database Feb 27, 2017). The variant was observed in the European population in 1 of 113472 chromosomes (freq. 0.00001), while the variant was not observed in the African, Other, South Asian, Latino, Ashkenazi Jewish, East Asian, or Finnish populations. The c.2947del variant is predicted to cause a frameshift, which alters the protein's amino acid sequence beginning at codon 983 and leads to a premature stop codon at position 984. This alteration is then predicted to result in a truncated or absent protein and loss of function. Loss of function variants of the BRIP1 gene are an established mechanism of disease in BRIP1 associated cancers and is the type of variant expected to cause the disorder. In summary, based on the above information this variant meets our laboratoryâ€šÃ„Ã´s criteria to be classified as pathogenic.

Literature cited by the submitters: PubMed 32658311 (cited by Ambry Genetics); PubMed 32885271 (cited by Ambry Genetics); PubMed 18628483 (cited by Labcorp Genetics (formerly Invitae), Labcorp); PubMed 11301010 (cited by Color Diagnostics, LLC DBA Color Health); PubMed 14983014 (cited by Color Diagnostics, LLC DBA Color Health); PubMed 20159562 (cited by Color Diagnostics, LLC DBA Color Health); PubMed 20173781 (cited by Color Diagnostics, LLC DBA Color Health); PubMed 22792074 (cited by Color Diagnostics, LLC DBA Color Health); PubMed 31300551 (cited by Leiden Open Variation Database).